The following is an entry in ClinVar:

ClinVar aggregate classification (germline): Conflicting classifications of pathogenicity. Review status: criteria provided, conflicting classifications (1 of 4 stars). 20 submissions from 19 submitters: Uncertain significance (2); Benign (2); Likely benign (11). 5 of the submissions do not count toward it. Last evaluated 2026-05-12.

Conditions:
Inherited breast cancer and ovarian cancer.
Breast and/or ovarian cancer. Identifiers: MedGen CN221562.
BRCA2-related disorder. Also called: BRCA2-related condition; BRCA2-related disorders. Identifiers: MedGen CN239275.
Hereditary cancer-predisposing syndrome. Also called: Hereditary neoplastic syndrome; Tumor predisposition; Hereditary Cancer Syndrome; Neoplastic Syndromes, Hereditary. Identifiers: Orphanet 140162, MedGen C0027672, MeSH D009386, MONDO:0015356.
Hereditary breast ovarian cancer syndrome. Also called: Breast and ovarian cancer; Hereditary breast and/or ovarian cancer syndrome; BRCA1- and BRCA2-Associated Hereditary Breast and Ovarian Cancer; Hereditary breast and ovarian cancer syndrome; Hereditary breast and ovarian cancer; Hereditary breast and ovarian cancer syndrome (HBOC). Identifiers: Orphanet 145, MedGen C0677776, MeSH D061325, MONDO:0003582. Disease mechanism: loss of function.
Fanconi anemia complementation group D1. Also called: BRCA2-Related Fanconi Anemia. Identifiers: Orphanet 319462, MedGen C1838457, MONDO:0011584, OMIM 605724.
Breast-ovarian cancer, familial, susceptibility to, 2 (BROVCA2). Also called: BRCA2 Hereditary Breast and Ovarian Cancer. Identifiers: Orphanet 145, MedGen C2675520, MONDO:0012933, OMIM 612555. Disease mechanism: loss of function.

Allele frequency attached by ClinVar (database versions not stated): ExAC 0.00004; gnomAD exomes 0.00006 and 0.00018; TOPMed 0.00006; gnomAD 0.00007 and 0.00008.
gnomAD v4.1: 279 of 1,613,078 alleles (0.017%); highest among the groups gnomAD compares: Non-Finnish European, 0.022%; no homozygotes.

Submissions (20):

Cambridge Genomics Laboratory, East Genomic Laboratory Hub, NHS Genomic Medicine Service
Classification: Likely benign for Inherited breast cancer and ovarian cancer. Last evaluated: 2026-05-12. Review status: criteria provided, single submitter. Criteria: ACGS Best Practice Guidelines for Variant Classification in Rare Disease 2020. Collection method: clinical testing. Allele origin: germline. Affected: yes.
Comment: BS1_Strong,BP4,BP5_Moderate

Labcorp Genetics (formerly Invitae), Labcorp
Classification: Benign for Hereditary breast ovarian cancer syndrome. Last evaluated: 2026-01-27. Review status: criteria provided, single submitter. Criteria: Invitae Variant Classification Sherloc (09022015). Collection method: clinical testing. Allele origin: germline.

PreventionGenetics, part of Exact Sciences
Classification: Likely benign for BRCA2-related condition. Last evaluated: 2025-09-05. Review status: criteria provided, single submitter. Criteria: ACMG Guidelines, 2015. Collection method: clinical testing. Allele origin: germline.
Comment: This variant is classified as likely benign based on ACMG/AMP sequence variant interpretation guidelines (Richards et al. 2015 PMID: 25741868, with internal and published modifications).

Blueprint Genetics
Classification: Likely benign. Last evaluated: 2024-05-29. Review status: criteria provided, single submitter. Criteria: ACMG Guidelines, 2015. Collection method: clinical testing. Allele origin: germline.

Quest Diagnostics Nichols Institute San Juan Capistrano
Classification: Likely benign. Last evaluated: 2023-10-03. Review status: criteria provided, single submitter. Criteria: Quest Diagnostics criteria. Collection method: clinical testing. Allele origin: unknown.

CHEO Genetics Diagnostic Laboratory, Children's Hospital of Eastern Ontario
Classification: Likely benign for Breast and/or ovarian cancer. Last evaluated: 2023-01-06. Review status: criteria provided, single submitter. Criteria: ACMG Guidelines, 2015. Collection method: clinical testing. Allele origin: germline.

ARUP Laboratories, Molecular Genetics and Genomics, ARUP Laboratories
Classification: Likely benign. Last evaluated: 2022-05-02. Review status: criteria provided, single submitter. Criteria: ARUP Molecular Germline Variant Investigation Process 2021. Collection method: clinical testing. Allele origin: germline.

Women's Health and Genetics/Laboratory Corporation of America, LabCorp
Classification: Benign. Last evaluated: 2021-10-23. Review status: criteria provided, single submitter. Criteria: LabCorp Variant Classification Summary - May 2015. Collection method: clinical testing. Allele origin: germline.
Comment: Variant summary: BRCA2 c.506A>G (p.Lys169Arg) results in a conservative amino acid change in the encoded protein sequence. Four of five in-silico tools predict a benign effect of the variant on protein function. The variant allele was found at a frequency of 5.6e-05 in 251168 control chromosomes, predominantly at a frequency of 0.00011 within the Non-Finnish European subpopulation in the gnomAD database. This frequency is not significantly higher than expected for a pathogenic variant in BRCA2 causing Hereditary Breast And Ovarian Cancer Syndrome (5.6e-05 vs 0.00075), allowing no conclusion about variant significance. c.506A>G has been reported in the literature in as a VUS in settings of somatic and germline multigene panel testing in individuals with a wide variety of cancers, example, male prostate cancer, breast cancer, the cancer genome atlas (TGCA) cohort, ALL, low-grade serous carcinomas (LGSCs) (example, Kote-Jarai_2011, Davies_2018, Lu_2015, Zhang_2015, Zhang_2021). These report(s) do not provide unequivocal conclusions about association of the variant with Hereditary Breast And Ovarian Cancer Syndrome. At-least two co-occurrences with other pathogenic variant(s) have been reported in the BIC database (BRCA2 c.8537_8538delAG, p.Glu2846Glyfs; BRCA1 c.188T>A, p.Leu63X) and with a driver KRAS mutation, p.G12V in an individual with low-grade serous carcinomas (LGSCs) (Zhang_2021), providing supporting evidence for a benign role. At least one publication reports experimental evidence evaluating an impact on protein function (example, Biswas_2020). These results showed no damaging effect of this variant in a mouse embryonic stem cell-based functional assay examining the ability to rescue the lethality of Brca2 null mESC as well as sensitivity to six DNA damaging agents including ionizing radiation and a PARP inhibitor. Multiple clinical diagnostic laboratories have submitted clinical-significance assessments for this variant to ClinVar after 2014 without evidence for independent evaluation with conflicting assessments and a predominant consensus towards a benign/likely benign (n=6) outcome (VUS, n=3). Some submitters cite overlapping evidence utilized in the context of this evaluation. Based on the evidence outlined above, the variant was classified as benign.

Sema4
Classification: Likely benign for Hereditary cancer-predisposing syndrome. Last evaluated: 2021-08-03. Review status: criteria provided, single submitter. Criteria: Sema4 Curation Guidelines. Collection method: curation. Allele origin: germline.

Ambry Genetics
Classification: Likely benign for Hereditary cancer-predisposing syndrome. Last evaluated: 2018-09-06. Review status: criteria provided, single submitter. Criteria: Ambry Variant Classification Scheme 2023. Collection method: clinical testing. Allele origin: germline.

GeneDx
Classification: Likely benign. Last evaluated: 2017-11-06. Review status: criteria provided, single submitter. Criteria: GeneDx Variant Classification (06012015). Collection method: clinical testing. Allele origin: germline. Affected: yes.
Comment: This variant is considered likely benign or benign based on one or more of the following criteria: it is a conservative change, it occurs at a poorly conserved position in the protein, it is predicted to be benign by multiple in silico algorithms, and/or has population frequency not consistent with disease.

Illumina Laboratory Services, Illumina
Classification: Uncertain significance for Breast-ovarian cancer, familial, susceptibility to, 2. Last evaluated: 2017-04-28. Review status: criteria provided, single submitter. Criteria: ICSL Variant Classification Criteria 13 December 2019. Collection method: clinical testing. Allele origin: germline.
Comment: This variant was observed as part of a predisposition screen in an ostensibly healthy population. A literature search was performed for the gene, cDNA change, and amino acid change (where applicable). Publications were found based on this search. However, the evidence from the literature, in combination with allele frequency data from public databases where available, was not sufficient to rule this variant in or out of causing disease. Therefore, this variant is classified as a variant of unknown significance.

Illumina Laboratory Services, Illumina
Classification: Uncertain significance for Fanconi anemia complementation group D1. Last evaluated: 2017-04-28. Review status: criteria provided, single submitter. Criteria: ICSL Variant Classification Criteria 13 December 2019. Collection method: clinical testing. Allele origin: germline.

Molecular Genetics Laboratory, University of Michigan
Classification: Likely benign for Breast-ovarian cancer, familial, susceptibility to, 2. Last evaluated: 2016-04-21. Review status: criteria provided, single submitter. Criteria: ACMG Guidelines, 2015. Collection method: clinical testing. Allele origin: germline. Affected: yes.

Color Diagnostics, LLC DBA Color Health
Classification: Likely benign for Hereditary cancer-predisposing syndrome. Last evaluated: 2015-11-16. Review status: criteria provided, single submitter. Criteria: ACMG Guidelines, 2015. Collection method: clinical testing. Allele origin: germline.

BRCAlab, Lund University
Classification: Likely benign for Breast-ovarian cancer, familial, susceptibility to, 2. Last evaluated: 2020-03-02. Review status: no assertion criteria provided. Collection method: clinical testing. Allele origin: germline. Affected: yes. Not counted in ClinVar's aggregate classification.

Counsyl
Classification: Uncertain significance for Breast-ovarian cancer, familial, susceptibility to, 2. Last evaluated: 2015-11-17. Review status: no assertion criteria provided. Collection method: clinical testing. Allele origin: unknown. Not counted in ClinVar's aggregate classification.

Sharing Clinical Reports Project (SCRP)
Classification: Benign for Breast-ovarian cancer, familial 2. Last evaluated: 2007-04-03. Review status: no assertion criteria provided. Collection method: clinical testing. Allele origin: germline. Not counted in ClinVar's aggregate classification.

Breast Cancer Information Core (BIC) (BRCA2)
Classification: Uncertain significance for Breast-ovarian cancer, familial 2. Last evaluated: 2002-05-29. Review status: no assertion criteria provided. Collection method: clinical testing. Allele origin: germline. Affected: yes. Observed: 17 variant alleles. Not counted in ClinVar's aggregate classification.

Department of Pathology and Laboratory Medicine, Sinai Health System
Classification: Uncertain significance. Review status: no assertion criteria provided. Collection method: clinical testing. Allele origin: unknown. Affected: yes. Observed: 1 variant allele. Study: The Canadian Open Genetics Repository (COGR). Not counted in ClinVar's aggregate classification.

Literature cited by the submitters: PubMed 22505045 (cited by 6 submitters); PubMed 30212499 (cited by Quest Diagnostics Nichols Institute San Juan Capistrano); PubMed 28288110 (cited by 3 submitters); PubMed 30883759 (cited by Quest Diagnostics Nichols Institute San Juan Capistrano and Sema4); PubMed 31112341 (cited by Quest Diagnostics Nichols Institute San Juan Capistrano and Women's Health and Genetics/Laboratory Corporation of America, LabCorp); PubMed 32123317 (cited by Quest Diagnostics Nichols Institute San Juan Capistrano and Sema4); PubMed 33293522 (cited by 3 submitters); PubMed 33471991 (cited by Quest Diagnostics Nichols Institute San Juan Capistrano and Sema4); PubMed 33773808 (cited by Quest Diagnostics Nichols Institute San Juan Capistrano and Women's Health and Genetics/Laboratory Corporation of America, LabCorp); PubMed 18418466 (cited by Quest Diagnostics Nichols Institute San Juan Capistrano and Women's Health and Genetics/Laboratory Corporation of America, LabCorp); PubMed 21952622 (cited by 5 submitters); PubMed 21702907 (cited by 5 submitters); PubMed 11929857 (cited by 3 submitters); PubMed 20215541 (cited by Quest Diagnostics Nichols Institute San Juan Capistrano and Women's Health and Genetics/Laboratory Corporation of America, LabCorp); PubMed 26689913 (cited by Women's Health and Genetics/Laboratory Corporation of America, LabCorp and Sema4); PubMed 26580448 (cited by Women's Health and Genetics/Laboratory Corporation of America, LabCorp); PubMed 31294896 (cited by Women's Health and Genetics/Laboratory Corporation of America, LabCorp); PubMed 27208206 (cited by Sema4); PubMed 29641532 (cited by Sema4).

NM_000059.4(BRCA2):c.506A>G (p.Lys169Arg)

Gene: BRCA2 (BRCA2 DNA repair associated; plus strand). Cytogenetic location: 13q13.1.
Variant type: single nucleotide variant.
Coding change: c.506A>G on transcript NM_000059.4 (MANE Select); coding-DNA position 506, A replaced by G.
Protein change: p.Lys169Arg; replaces lysine 169 with arginine.
Molecular consequence: missense variant.
Genome position (GRCh38, 1-based): chr13:32,326,272, A>G. VCF-style: chr13-32326272-A-G. GRCh37 (hg19) VCF-style: chr13-32900409-A-G.
Other names: p.K169R:AAG>AGG; short protein forms K169R.
Identifiers: ClinVar variation 37941 (VCV000037941.43), dbSNP rs80358730, ClinGen allele CA021201.